The following is an entry in ClinVar:

ClinVar aggregate classification (germline): Likely benign (1 of 4 stars; one submission).

Allele frequency attached by ClinVar (database versions not stated): 1000 Genomes Project 0.00319; 1000 Genomes Project 30x 0.00328.
gnomAD v4.1: 478 of 398,726 alleles (0.12%); highest among the groups gnomAD compares: African/African-American, 0.91%; 3 homozygotes.

Submission:

CeGaT Center for Human Genetics Tuebingen
Classification: Likely benign. Last evaluated: 2024-10-01. Review status: criteria provided, single submitter. Criteria: CeGaT Center For Human Genetics Tuebingen Variant Classification Criteria Version 2. Collection method: clinical testing. Allele origin: germline. Affected: yes. Observed: 2 variant alleles.
Comment: KCNQ1OT1: BS2

NM_000218.3(KCNQ1):c.1514+31662C>G

Genes: KCNQ1 (potassium voltage-gated channel subfamily Q member 1; plus strand), KCNQ1OT1 (KCNQ1 opposite strand/antisense transcript 1; minus strand). Cytogenetic location: 11p15.5.
Variant type: single nucleotide variant.
Coding change: c.1514+31662C>G on transcript NM_000218.3 (MANE Select); 31662 bases into the intron after coding-DNA position 1514, C replaced by G.
Molecular consequence: intron variant. On other transcripts: non-coding transcript variant (1).
Genome position (GRCh38, 1-based): chr11:2,693,743, C>G. VCF-style: chr11-2693743-C-G. GRCh37 (hg19) VCF-style: chr11-2714973-C-G.
Other names: c.1244+31662C>G (NM_001406837.1); c.1418+31662C>G (NM_001406836.1); c.974+31662C>G (NM_001406838.1); c.1133+31662C>G (NM_181798.2).
Identifiers: ClinVar variation 2672451 (VCV002672451.23), dbSNP rs190171684, ClinGen allele CA216194470.